The following is an entry in ClinVar:

NM_201253.3(CRB1):c.3520T>G (p.Cys1174Gly)

Gene: CRB1 (crumbs cell polarity complex component 1; plus strand). Cytogenetic location: 1q31.3.
Variant type: single nucleotide variant.
Coding change: c.3520T>G on transcript NM_201253.3 (MANE Select); coding-DNA position 3520, T replaced by G.
Protein change: p.Cys1174Gly; replaces cysteine 1174 with glycine.
Molecular consequence: missense variant. On other transcripts: non-coding transcript variant (2), intron variant (1).
Genome position (GRCh38, 1-based): chr1:197,435,383, T>G. VCF-style: chr1-197435383-T-G. GRCh37 (hg19) VCF-style: chr1-197404513-T-G.
Other names: c.3184T>G, p.Cys1062Gly (NM_001193640.2); c.3448T>G, p.Cys1150Gly (NM_001257965.2); c.2129-217T>G (NM_001257966.2); short protein forms C1062G, C1150G, C1174G.
Identifiers: ClinVar variation 2577212 (VCV002577212.1), dbSNP rs917768074, ClinGen allele CA35907795.

ClinVar aggregate classification (germline): Uncertain significance (1 of 4 stars; one submission).

Allele frequency attached by ClinVar (database versions not stated): gnomAD exomes below 0.00001.
gnomAD v4.1: 1 of 1,609,964 alleles (0.000062%); highest among the groups gnomAD compares: Non-Finnish European, 0.000085%; no homozygotes.

Submission:

Women's Health and Genetics/Laboratory Corporation of America, LabCorp
Classification: Uncertain significance. Last evaluated: 2023-07-25. Review status: criteria provided, single submitter. Criteria: LabCorp Variant Classification Summary - May 2015. Collection method: clinical testing. Allele origin: germline.
Comment: Variant summary: CRB1 c.3520T>G (p.Cys1174Gly) results in a non-conservative amino acid change in the encoded protein sequence. Five of five in-silico tools predict a damaging effect of the variant on protein function. The variant was absent in 248486 control chromosomes (gnomAD). The available data on variant occurrences in the general population are insufficient to allow any conclusion about variant significance. c.3520T>G has been reported in the literature in individuals affected with Retinal Dystrophy (Stone_2007, Henderson_2011). These data do not allow any conclusion about variant significance. To our knowledge, no experimental evidence demonstrating an impact on protein function has been reported. The following publications have been ascertained in the context of this evaluation (PMID: 20956273, 17964524). No submitters have cited clinical-significance assessments for this variant to ClinVar after 2014. Based on the evidence outlined above, the variant was classified as uncertain significance.

Literature cited by the submitters: PubMed 17964524; PubMed 20956273.